The following is an entry in ClinVar:

NM_201525.4(ADGRG1):c.*832T>C

Gene: ADGRG1 (adhesion G protein-coupled receptor G1; plus strand). Cytogenetic location: 16q21.
Variant type: single nucleotide variant.
Coding change: c.*832T>C on transcript NM_201525.4 (MANE Select); 832 bases downstream of the stop codon, T replaced by C.
Molecular consequence: 3 prime UTR variant.
Genome position (GRCh38, 1-based): chr16:57,664,414, T>C. VCF-style: chr16-57664414-T-C. GRCh37 (hg19) VCF-style: chr16-57698326-T-C.
Other names: c.*832T>C (NM_001145770.3, NM_001145771.3, NM_001145772.3 and 25 more transcripts).
Identifiers: ClinVar variation 888177 (VCV000888177.5), dbSNP rs74520836, ClinGen allele CA15875105.
Genomic context (GRCh38, chr16:57,664,414, plus strand): 5'-CCTGAGCCAGGCTCGGTACCGATGCGTGGGCTGGGCTAGGTCCCTCTGTCCATCTGGGCC[T>C]TTGTATGAGCTGCATTGCCCTTGCTCACCCTGACCAAGCACACGCCTCAGAGGGGCCCTC-3'

ClinVar aggregate classification (germline): Benign. Review status: criteria provided, multiple submitters, no conflicts (2 of 4 stars). 2 submissions from 2 submitters: Benign (2). Last evaluated 2018-01-12.

Conditions:
Bilateral frontoparietal polymicrogyria. Also called: CEREBELLAR ATAXIA WITH NEURONAL MIGRATION DEFECT; CORTICAL DYSPLASIA, COMPLEX, WITH OTHER BRAIN MALFORMATIONS 14A (BILATERAL FRONTOPARIETAL). Identifiers: Orphanet 101070, MedGen C1847352, MONDO:0011738, OMIM 606854.

Allele frequency attached by ClinVar (database versions not stated): gnomAD 0.00655 and 0.00939; TOPMed 0.00881; gnomAD exomes 0.01149; 1000 Genomes Project 30x 0.03217; 1000 Genomes Project 0.03335.
gnomAD v4.1: 1,434 of 152,476 alleles (0.94%); highest among the groups gnomAD compares: East Asian, 13%; 59 homozygotes.

Submissions (2):

Illumina Laboratory Services, Illumina
Classification: Benign for Bilateral frontoparietal polymicrogyria. Last evaluated: 2018-01-12. Review status: criteria provided, single submitter. Criteria: ICSL Variant Classification Criteria 13 December 2019. Collection method: clinical testing. Allele origin: germline.
Comment: This variant was observed in the ICSL laboratory as part of a predisposition screen in an ostensibly healthy population. It had not been previously curated by ICSL or reported in the Human Gene Mutation Database (HGMD: prior to June 1st, 2018), and was therefore a candidate for classification through an automated scoring system. Utilizing variant allele frequency, disease prevalence and penetrance estimates, and inheritance mode, an automated score was calculated to assess if this variant is too frequent to cause the disease. Based on the score and internal cut-off values, a variant classified as benign is not then subjected to further curation. The score for this variant resulted in a classification of benign for this disease.

Breakthrough Genomics
Classification: Benign. Review status: criteria provided, single submitter. Criteria: ACMG Guidelines, 2015. Collection method: not provided. Allele origin: germline. Inheritance: Autosomal recessive inheritance. Affected: yes.